The following is an entry in ClinVar:

ClinVar aggregate classification (germline): Pathogenic (1 of 4 stars; one submission).

Conditions:
Early-infantile DEE. Also called: Early infantile epileptic encephalopathy with suppression bursts; Early infantile epileptic encephalopathy; Ohtahara syndrome. Identifiers: Orphanet 1934, MedGen C0393706, MONDO:0800491.

Submission:

Labcorp Genetics (formerly Invitae), Labcorp
Classification: Pathogenic for Early-infantile DEE. Last evaluated: 2021-11-15. Review status: criteria provided, single submitter. Criteria: Invitae Variant Classification Sherloc (09022015). Collection method: clinical testing. Allele origin: germline.
Comment: This sequence change creates a premature translational stop signal (p.Trp1415*) in the SCN8A gene. It is expected to result in an absent or disrupted protein product. Loss-of-function variants in SCN8A are known to be pathogenic (PMID: 19254928, 32651551). This variant is not present in population databases (gnomAD no frequency). This variant has not been reported in the literature in individuals affected with SCN8A-related conditions. For these reasons, this variant has been classified as Pathogenic.

Literature cited by the submitters: PubMed 19254928; PubMed 32651551.

NM_001330260.2(SCN8A):c.4245G>A (p.Trp1415Ter)

Gene: SCN8A (sodium voltage-gated channel alpha subunit 8; plus strand). Cytogenetic location: 12q13.13.
Variant type: single nucleotide variant.
Coding change: c.4245G>A on transcript NM_001330260.2 (MANE Select); coding-DNA position 4245, G replaced by A.
Protein change: p.Trp1415Ter; replaces tryptophan 1415 with a stop codon.
Molecular consequence: nonsense.
Genome position (GRCh38, 1-based): chr12:51,788,712, G>A. VCF-style: chr12-51788712-G-A. GRCh37 (hg19) VCF-style: chr12-52182496-G-A.
Other names: c.4122G>A, p.Trp1374Ter (NM_001177984.3, NM_001369788.1); c.4245G>A, p.Trp1415Ter (NM_014191.4); short protein forms W1374*, W1415*.
Identifiers: ClinVar variation 1456194 (VCV001456194.7), dbSNP rs1555228669, ClinGen allele CA384907298.